The following is an entry in ClinVar:

NM_182972.3(IRF2BP2):c.808G>T (p.Ala270Ser)

Gene: IRF2BP2 (interferon regulatory factor 2 binding protein 2; minus strand). Cytogenetic location: 1q42.3.
Variant type: single nucleotide variant.
Coding change: c.808G>T on transcript NM_182972.3 (MANE Select); coding-DNA position 808, G replaced by T.
Protein change: p.Ala270Ser; replaces alanine 270 with serine.
Molecular consequence: missense variant.
Genome position (GRCh38, 1-based): chr1:234,608,687, C>A on the plus strand (G>T on the coding strand, the complement: IRF2BP2 is on the minus strand). VCF-style: chr1-234608687-C-A. GRCh37 (hg19) VCF-style: chr1-234744433-C-A.
Other names: c.808G>T, p.Ala270Ser (NM_001077397.1); short protein forms A270S.
Identifiers: ClinVar variation 1494792 (VCV001494792.8), dbSNP rs1190262641, ClinGen allele CA345308349.

ClinVar aggregate classification (germline): Uncertain significance (1 of 4 stars; one submission).

Submission:

Labcorp Genetics (formerly Invitae), Labcorp
Classification: Uncertain significance. Last evaluated: 2022-08-23. Review status: criteria provided, single submitter. Criteria: Invitae Variant Classification Sherloc (09022015). Collection method: clinical testing. Allele origin: germline.
Comment: This sequence change replaces alanine, which is neutral and non-polar, with serine, which is neutral and polar, at codon 270 of the IRF2BP2 protein (p.Ala270Ser). This variant is not present in population databases (gnomAD no frequency). This variant has not been reported in the literature in individuals affected with IRF2BP2-related conditions. ClinVar contains an entry for this variant (Variation ID: 1494792). Algorithms developed to predict the effect of missense changes on protein structure and function are either unavailable or do not agree on the potential impact of this missense change (SIFT: "Deleterious"; PolyPhen-2: "Benign"; Align-GVGD: "Class C0"). In summary, the available evidence is currently insufficient to determine the role of this variant in disease. Therefore, it has been classified as a Variant of Uncertain Significance.